The following is an entry in ClinVar:

NM_025081.3(NYNRIN):c.1519G>A (p.Gly507Arg)

Gene: NYNRIN (NYN domain and retroviral integrase containing; plus strand). Cytogenetic location: 14q12.
Variant type: single nucleotide variant.
Coding change: c.1519G>A on transcript NM_025081.3 (MANE Select); coding-DNA position 1519, G replaced by A.
Protein change: p.Gly507Arg; replaces glycine 507 with arginine.
Molecular consequence: missense variant.
Genome position (GRCh38, 1-based): chr14:24,409,313, G>A. VCF-style: chr14-24409313-G-A. GRCh37 (hg19) VCF-style: chr14-24878519-G-A.
Other names: short protein forms G507R.
Identifiers: ClinVar variation 2455295 (VCV002455295.5), dbSNP rs375728700, ClinGen allele CA7136805.

ClinVar aggregate classification (germline): Uncertain significance. Review status: criteria provided, multiple submitters, no conflicts (2 of 4 stars). 2 submissions from 2 submitters: Uncertain significance (2). Last evaluated 2025-07-20.

Allele frequency attached by ClinVar (database versions not stated): ESP Exome Variant Server 0.00017; TOPMed 0.00005; gnomAD exomes 0.00010; ExAC 0.00012.

Submissions (2):

Labcorp Genetics (formerly Invitae), Labcorp
Classification: Uncertain significance. Last evaluated: 2025-07-20. Review status: criteria provided, single submitter. Criteria: Invitae Variant Classification Sherloc (09022015). Collection method: clinical testing. Allele origin: germline.
Comment: This sequence change replaces glycine, which is neutral and non-polar, with arginine, which is basic and polar, at codon 507 of the NYNRIN protein (p.Gly507Arg). This variant is present in population databases (rs375728700, gnomAD 0.02%). This variant has not been reported in the literature in individuals affected with NYNRIN-related conditions. ClinVar contains an entry for this variant (Variation ID: 2455295). Experimental studies and prediction algorithms are not available or were not evaluated, and the functional significance of this variant is currently unknown. In summary, the available evidence is currently insufficient to determine the role of this variant in disease. Therefore, it has been classified as a Variant of Uncertain Significance.

Ambry Genetics
Classification: Uncertain significance. Last evaluated: 2025-06-17. Review status: criteria provided, single submitter. Criteria: Ambry Variant Classification Scheme 2023. Collection method: clinical testing. Allele origin: germline.